The following is an entry in ClinVar:

ClinVar aggregate classification (germline): Uncertain significance (1 of 4 stars; one submission).

Conditions:
Bardet-Biedl syndrome (BBS). Identifiers: Orphanet 110, MedGen C0752166, MONDO:0015229.

Submission:

Labcorp Genetics (formerly Invitae), Labcorp
Classification: Uncertain significance for Bardet-Biedl syndrome. Last evaluated: 2022-01-12. Review status: criteria provided, single submitter. Criteria: Invitae Variant Classification Sherloc (09022015). Collection method: clinical testing. Allele origin: germline.
Comment: This sequence change replaces tyrosine, which is neutral and polar, with histidine, which is basic and polar, at codon 536 of the BBS10 protein (p.Tyr536His). This variant is not present in population databases (gnomAD no frequency). This variant has not been reported in the literature in individuals affected with BBS10-related conditions. ClinVar contains an entry for this variant (Variation ID: 1058297). Algorithms developed to predict the effect of missense changes on protein structure and function (SIFT, PolyPhen-2, Align-GVGD) all suggest that this variant is likely to be tolerated. In summary, the available evidence is currently insufficient to determine the role of this variant in disease. Therefore, it has been classified as a Variant of Uncertain Significance.

NM_024685.4(BBS10):c.1606T>C (p.Tyr536His)

Gene: BBS10 (Bardet-Biedl syndrome 10; minus strand). Cytogenetic location: 12q21.2.
Variant type: single nucleotide variant.
Coding change: c.1606T>C on transcript NM_024685.4 (MANE Select); coding-DNA position 1606, T replaced by C.
Protein change: p.Tyr536His; replaces tyrosine 536 with histidine.
Molecular consequence: missense variant.
Genome position (GRCh38, 1-based): chr12:76,346,379, A>G on the plus strand (T>C on the coding strand, the complement: BBS10 is on the minus strand). VCF-style: chr12-76346379-A-G. GRCh37 (hg19) VCF-style: chr12-76740159-A-G.
Other names: short protein forms Y536H.
Identifiers: ClinVar variation 1058297 (VCV001058297.6), dbSNP rs2136090060, ClinGen allele CA385810816.